The following is an entry in ClinVar:

ClinVar aggregate classification (germline): Pathogenic/Likely pathogenic. Review status: criteria provided, multiple submitters, no conflicts (2 of 4 stars). 4 submissions from 4 submitters: Pathogenic (2); Likely pathogenic (2). Last evaluated 2023-08-23.

Conditions:
MYH7-related disorder. Also called: MYH7-related disorders; MYH7-related condition; MYH7-related disease.
Cardiomyopathy (CMYO). Also called: Cardiomyopathies. Identifiers: Orphanet 167848, MedGen C0878544, MONDO:0004994, HP:0001638. Inheritance: Various modes of inheritance.
Hypertrophic cardiomyopathy. Also called: HYPERTROPHIC MYOCARDIOPATHY. Identifiers: Orphanet 217569, MedGen C0007194, MeSH D002312, MONDO:0005045, HP:0001639.

Submissions (4):

Blueprint Genetics
Classification: Pathogenic for MYH7-related disorders. Last evaluated: 2023-08-23. Review status: criteria provided, single submitter. Criteria: ACMG Guidelines, 2015. Collection method: clinical testing. Allele origin: germline. Affected: yes. Observed: 1 variant allele.

Labcorp Genetics (formerly Invitae), Labcorp
Classification: Pathogenic for Hypertrophic cardiomyopathy. Last evaluated: 2022-02-08. Review status: criteria provided, single submitter. Criteria: Invitae Variant Classification Sherloc (09022015). Collection method: clinical testing. Allele origin: germline.
Comment: This sequence change replaces glutamic acid, which is acidic and polar, with lysine, which is basic and polar, at codon 927 of the MYH7 protein (p.Glu927Lys). This variant is not present in population databases (gnomAD no frequency). This missense change has been observed in individuals with hypertrophic cardiomyopathy (PMID: 15858117, 18533079, 23233322, 25132132, 27247418, 27532257). ClinVar contains an entry for this variant (Variation ID: 42932). Algorithms developed to predict the effect of missense changes on protein structure and function (SIFT, PolyPhen-2, Align-GVGD) all suggest that this variant is likely to be disruptive. This variant is found within a region of MYH7 between codons 181 and 937 that contains the majority of the myosin head domain. Missense variants in this region have been shown to be significantly overrepresented in individuals with hypertrophic cardiomyopathy (PMID: 27532257). For these reasons, this variant has been classified as Pathogenic.

Laboratory for Molecular Medicine, Mass General Brigham Personalized Medicine
Classification: Likely pathogenic for Hypertrophic cardiomyopathy. Last evaluated: 2020-03-12. Review status: criteria provided, single submitter. Criteria: LMM Criteria. Collection method: clinical testing. Allele origin: germline. Inheritance: Autosomal dominant inheritance. Observed: 4 variant alleles.
Comment: The p.Glu927Lys variant in MYH7 has been reported in at least 12 unrelated individuals with hypertrophic cardiomyopathy (HCM; Yu 2005, Maurizi 2018, Walsh 2017, Olivotto 2008, Kassem 2013, Walsh 2014, Homberger 2016, LMM data) and segregated with disease in one affected relative (LMM data). It was absent from large population studies. Computational prediction tools and conservation analyses do not provide strong support for or against an impact to the protein. In addition, this variant lies in the head region of the protein and missense variants in this region are statistically more likely to cause disease (Walsh 2016). In summary, although additional studies are required to fully establish its clinical significance, this variant meets criteria to be classified as likely pathogenic for autosomal dominant HCM. ACMG/AMP Criteria applied: PM2, PS4_Moderate, PM1.

CHEO Genetics Diagnostic Laboratory, Children's Hospital of Eastern Ontario
Classification: Likely pathogenic for Cardiomyopathy. Last evaluated: 2019-10-25. Review status: criteria provided, single submitter. Criteria: ACMG Guidelines, 2015. Collection method: clinical testing. Allele origin: germline.

Literature cited by the submitters: PubMed 15858117 (cited by Labcorp Genetics (formerly Invitae), Labcorp and Laboratory for Molecular Medicine, Mass General Brigham Personalized Medicine); PubMed 18533079 (cited by Labcorp Genetics (formerly Invitae), Labcorp and Laboratory for Molecular Medicine, Mass General Brigham Personalized Medicine); PubMed 23233322 (cited by Labcorp Genetics (formerly Invitae), Labcorp and Laboratory for Molecular Medicine, Mass General Brigham Personalized Medicine); PubMed 25132132 (cited by Labcorp Genetics (formerly Invitae), Labcorp and Laboratory for Molecular Medicine, Mass General Brigham Personalized Medicine); PubMed 27247418 (cited by Labcorp Genetics (formerly Invitae), Labcorp and Laboratory for Molecular Medicine, Mass General Brigham Personalized Medicine); PubMed 27532257 (cited by Labcorp Genetics (formerly Invitae), Labcorp and Laboratory for Molecular Medicine, Mass General Brigham Personalized Medicine); PubMed 29710196 (cited by Laboratory for Molecular Medicine, Mass General Brigham Personalized Medicine).

NM_000257.4(MYH7):c.2779G>A (p.Glu927Lys)

Gene: MYH7 (myosin heavy chain 7; minus strand). Cytogenetic location: 14q11.2.
Variant type: single nucleotide variant.
Coding change: c.2779G>A on transcript NM_000257.4 (MANE Select); coding-DNA position 2779, G replaced by A.
Protein change: p.Glu927Lys; replaces glutamic acid 927 with lysine.
Molecular consequence: missense variant.
Genome position (GRCh38, 1-based): chr14:23,424,050, C>T on the plus strand (G>A on the coding strand, the complement: MYH7 is on the minus strand). VCF-style: chr14-23424050-C-T. GRCh37 (hg19) VCF-style: chr14-23893259-C-T.
Other names: short protein forms E927K.
Identifiers: ClinVar variation 42932 (VCV000042932.18), dbSNP rs397516170, ClinGen allele CA013043.